The following is an entry in ClinVar:

ClinVar aggregate classification (germline): Uncertain significance (1 of 4 stars; one submission).

Allele frequency attached by ClinVar (database versions not stated): gnomAD below 0.00001 and 0.00003; TOPMed below 0.00001; ExAC 0.00003; gnomAD exomes 0.00004 and 0.00005.
gnomAD v4.1: 57 of 1,612,738 alleles (0.0035%); highest among the groups gnomAD compares: South Asian, 0.06%; 1 homozygote.

Submission:

Labcorp Genetics (formerly Invitae), Labcorp
Classification: Uncertain significance. Last evaluated: 2022-03-09. Review status: criteria provided, single submitter. Criteria: Invitae Variant Classification Sherloc (09022015). Collection method: clinical testing. Allele origin: germline.
Comment: This sequence change replaces glycine, which is neutral and non-polar, with glutamic acid, which is acidic and polar, at codon 650 of the SAMD11 protein (p.Gly650Glu). This variant is present in population databases (rs748103865, gnomAD 0.04%). This variant has not been reported in the literature in individuals affected with SAMD11-related conditions. ClinVar contains an entry for this variant (Variation ID: 967495). Algorithms developed to predict the effect of missense changes on protein structure and function (SIFT, PolyPhen-2, Align-GVGD) all suggest that this variant is likely to be tolerated. In summary, the available evidence is currently insufficient to determine the role of this variant in disease. Therefore, it has been classified as a Variant of Uncertain Significance.

NM_001385641.1(SAMD11):c.2438G>A (p.Gly813Glu)

Gene: SAMD11 (sterile alpha motif domain containing 11; plus strand). Cytogenetic location: 1p36.33.
Variant type: single nucleotide variant.
Coding change: c.2438G>A on transcript NM_001385641.1 (MANE Select); coding-DNA position 2438, G replaced by A.
Protein change: p.Gly813Glu; replaces glycine 813 with glutamic acid.
Molecular consequence: missense variant.
Genome position (GRCh38, 1-based): chr1:944,056, G>A. VCF-style: chr1-944056-G-A. GRCh37 (hg19) VCF-style: chr1-879436-G-A.
Other names: c.2441G>A, p.Gly814Glu (NM_001385640.1); c.1949G>A, p.Gly650Glu (NM_152486.4); short protein forms G650E, G813E, G814E.
Identifiers: ClinVar variation 967495 (VCV000967495.5), dbSNP rs748103865, ClinGen allele CA503410.